The following is an entry in ClinVar:

ClinVar aggregate classification (germline): Pathogenic (1 of 4 stars; one submission).

Conditions:
Leukodystrophy, hypomyelinating, 10. Also called: PYCR2-related microcephaly-progressive leukoencephalopathy. Identifiers: Orphanet 481152, MedGen C4225332, MONDO:0014632, OMIM 616420.

gnomAD v4.1: 1 of 1,537,172 alleles (0.000065%); highest among the groups gnomAD compares: South Asian, 0.0012%; no homozygotes.

Submission:

3billion
Classification: Pathogenic for Leukodystrophy, hypomyelinating, 10. Last evaluated: 2023-06-01. Review status: criteria provided, single submitter. Criteria: ACMG Guidelines, 2015. Collection method: clinical testing. Allele origin: germline. Affected: yes.
Comment: The variant is not observed in the gnomAD v2.1.1 dataset. Predicted Consequence/Location: Canonical splice site: predicted to alter splicing and result in a loss or disruption of normal protein function. Multiple pathogenic loss-of-function variants are reported downstream of the variant. Therefore, this variant is classified as Pathogenic according to the recommendation of ACMG/AMP guideline.

NM_013328.4(PYCR2):c.67+2C>T

Gene: PYCR2 (pyrroline-5-carboxylate reductase 2; minus strand). Cytogenetic location: 1q42.12.
Variant type: single nucleotide variant.
Coding change: c.67+2C>T on transcript NM_013328.4 (MANE Select); the canonical splice donor site of the intron after coding-DNA position 67, C replaced by T.
Molecular consequence: splice donor variant.
Genome position (GRCh38, 1-based): chr1:225,924,042, G>A on the plus strand (C>T on the coding strand, the complement: PYCR2 is on the minus strand). VCF-style: chr1-225924042-G-A. GRCh37 (hg19) VCF-style: chr1-226111742-G-A.
Other names: c.67+2C>T (NM_001271681.2).
Identifiers: ClinVar variation 3775786 (VCV003775786.1).